The following is an entry in ClinVar:

ClinVar aggregate classification (germline): Uncertain significance. Review status: criteria provided, multiple submitters, no conflicts (2 of 4 stars). 3 submissions from 3 submitters: Uncertain significance (3). Last evaluated 2025-05-29.

Conditions:
ACAD9-related disorder. Also called: ACAD9-related condition.

Allele frequency attached by ClinVar (database versions not stated): gnomAD exomes 0.00006; ExAC 0.00004; TOPMed 0.00011; gnomAD 0.00009; ESP Exome Variant Server 0.00038.

Submissions (3):

Mayo Clinic Laboratories, Mayo Clinic
Classification: Uncertain significance. Last evaluated: 2025-05-29. Review status: criteria provided, single submitter. Criteria: ACMG Guidelines, 2015. Collection method: clinical testing. Allele origin: germline. Observed: 1 variant allele.

Labcorp Genetics (formerly Invitae), Labcorp
Classification: Uncertain significance. Last evaluated: 2024-04-10. Review status: criteria provided, single submitter. Criteria: Invitae Variant Classification Sherloc (09022015). Collection method: clinical testing. Allele origin: germline.
Comment: This sequence change replaces arginine, which is basic and polar, with tryptophan, which is neutral and slightly polar, at codon 193 of the ACAD9 protein (p.Arg193Trp). This variant is present in population databases (rs377547811, gnomAD 0.03%). This missense change has been observed in individual(s) with ACAD9-related conditions (PMID: 21057504). ClinVar contains an entry for this variant (Variation ID: 2197743). Advanced modeling of protein sequence and biophysical properties (such as structural, functional, and spatial information, amino acid conservation, physicochemical variation, residue mobility, and thermodynamic stability) performed at Invitae indicates that this missense variant is not expected to disrupt ACAD9 protein function with a negative predictive value of 80%. In summary, the available evidence is currently insufficient to determine the role of this variant in disease. Therefore, it has been classified as a Variant of Uncertain Significance.

PreventionGenetics, part of Exact Sciences
Classification: Uncertain significance for ACAD9-related condition. Last evaluated: 2023-01-26. Review status: criteria provided, single submitter. Criteria: ACMG Guidelines, 2015. Collection method: clinical testing. Allele origin: germline.
Comment: The ACAD9 c.577C>T variant is predicted to result in the amino acid substitution p.Arg193Trp. To our knowledge, this variant has not been reported in the literature. This variant is reported in 0.032% of alleles in individuals of African descent in gnomAD. At this time, the clinical significance of this variant is uncertain due to the absence of conclusive functional and genetic evidence.

Literature cited by the submitters: PubMed 21057504 (cited by Mayo Clinic Laboratories, Mayo Clinic and Labcorp Genetics (formerly Invitae), Labcorp).

NM_014049.5(ACAD9):c.577C>T (p.Arg193Trp)

Gene: ACAD9 (acyl-CoA dehydrogenase family member 9; plus strand). Cytogenetic location: 3q21.3.
Variant type: single nucleotide variant.
Coding change: c.577C>T on transcript NM_014049.5 (MANE Select); coding-DNA position 577, C replaced by T.
Protein change: p.Arg193Trp; replaces arginine 193 with tryptophan.
Molecular consequence: missense variant. On other transcripts: non-coding transcript variant (1).
Genome position (GRCh38, 1-based): chr3:128,897,654, C>T. VCF-style: chr3-128897654-C-T. GRCh37 (hg19) VCF-style: chr3-128616497-C-T.
Other names: p.Arg193Trp; c.577C>T (NM_014049.4); c.208C>T, p.Arg70Trp (NM_001410805.1); short protein forms R70W, R193W.
Identifiers: ClinVar variation 2197743 (VCV002197743.4), dbSNP rs377547811, ClinGen allele CA2601196.